The following is an entry in ClinVar:

NM_014639.4(SKIC3):c.2460C>T (p.Leu820=)

Gene: SKIC3 (SKI3 subunit of superkiller complex; minus strand). Cytogenetic location: 5q15.
Variant type: single nucleotide variant.
Coding change: c.2460C>T on transcript NM_014639.4 (MANE Select); coding-DNA position 2460, C replaced by T.
Protein change: p.Leu820=; no amino-acid change (leucine 820 retained).
Molecular consequence: synonymous variant.
Genome position (GRCh38, 1-based): chr5:95,516,727, G>A on the plus strand (C>T on the coding strand, the complement: SKIC3 is on the minus strand). VCF-style: chr5-95516727-G-A. GRCh37 (hg19) VCF-style: chr5-94852431-G-A.
Identifiers: ClinVar variation 3030514 (VCV003030514.2), dbSNP rs981751650, ClinGen allele CA122852564.

ClinVar aggregate classification (germline): Likely benign (0 of 4 stars; one submission).

Conditions:
SKIC3-related disorder. Also called: SKIC3-related condition.

Allele frequency attached by ClinVar (database versions not stated): gnomAD 0.00001; TOPMed 0.00002.
gnomAD v4.1: 13 of 1,613,024 alleles (0.00081%); highest among the groups gnomAD compares: African/African-American, 0.0027%; no homozygotes.

Submission:

PreventionGenetics, part of Exact Sciences
Classification: Likely benign for SKIC3-related condition. Last evaluated: 2021-05-12. Review status: no assertion criteria provided. Collection method: clinical testing. Allele origin: germline.
Comment: This variant is classified as likely benign based on ACMG/AMP sequence variant interpretation guidelines (Richards et al. 2015 PMID: 25741868, with internal and published modifications).